The following is an entry in ClinVar:

ClinVar aggregate classification (germline): Uncertain significance (1 of 4 stars; one submission).

Conditions:
Curry-Hall syndrome (WAD). Also called: WEYERS ACRODENTAL DYSOSTOSIS. Identifiers: Orphanet 952, MedGen C0457013, MONDO:0008673, OMIM 193530.
Ellis-van Creveld syndrome (EVC). Also called: EVC-Related Ellis-van Creveld Syndrome; EVC2-Related Ellis-van Creveld Syndrome; MESOECTODERMAL DYSPLASIA; Chondroectodermal dysplasia. Identifiers: Orphanet 289, MedGen C0013903, MONDO:0009162, OMIM 225500.

gnomAD v4.1: 1 of 1,613,954 alleles (0.000062%); no homozygotes.

Submission:

Labcorp Genetics (formerly Invitae), Labcorp
Classification: Uncertain significance for Curry-Hall syndrome; Ellis-van Creveld syndrome. Last evaluated: 2024-11-11. Review status: criteria provided, single submitter. Criteria: Invitae Variant Classification Sherloc (09022015). Collection method: clinical testing. Allele origin: germline.
Comment: This sequence change replaces tryptophan, which is neutral and slightly polar, with arginine, which is basic and polar, at codon 828 of the EVC2 protein (p.Trp828Arg). This variant is not present in population databases (gnomAD no frequency). This variant has not been reported in the literature in individuals affected with EVC2-related conditions. ClinVar contains an entry for this variant (Variation ID: 2931439). An algorithm developed to predict the effect of missense changes on protein structure and function (PolyPhen-2) suggests that this variant is likely to be disruptive. In summary, the available evidence is currently insufficient to determine the role of this variant in disease. Therefore, it has been classified as a Variant of Uncertain Significance.

NM_147127.5(EVC2):c.2482T>C (p.Trp828Arg)

Gene: EVC2 (EvC ciliary complex subunit 2; minus strand). Cytogenetic location: 4p16.2.
Variant type: single nucleotide variant.
Coding change: c.2482T>C on transcript NM_147127.5 (MANE Select); coding-DNA position 2482, T replaced by C.
Protein change: p.Trp828Arg; replaces tryptophan 828 with arginine.
Molecular consequence: missense variant.
Genome position (GRCh38, 1-based): chr4:5,622,556, A>G on the plus strand (T>C on the coding strand, the complement: EVC2 is on the minus strand). VCF-style: chr4-5622556-A-G. GRCh37 (hg19) VCF-style: chr4-5624283-A-G.
Other names: c.2242T>C, p.Trp748Arg (NM_001166136.2); short protein forms W828R, W748R.
Identifiers: ClinVar variation 2931439 (VCV002931439.3), dbSNP rs2475373565, ClinGen allele CA356144347.
Genomic context (GRCh38, chr4:5,622,556, plus strand): 5'-CGGGATGGGGAGGGGTGATTACGACCCGCAAAGGCACTCACATGAAGATCAGGTGCTCCC[A>G]GCGTCGCAGCTCTGCCTGCTCCTCTGTCACGGCCTCAGGAGCGTCATCCTTCAGTCTCTG-3'
Protein context (NP_667338.3, residues 818-838): VTEEQAELRR[Trp828Arg]EHLIFMKLCS